The following is an entry in ClinVar:

NM_001258392.3(CLPB):c.533G>A (p.Arg178Gln)

Gene: CLPB (ClpB family mitochondrial disaggregase; minus strand). Cytogenetic location: 11q13.4.
Variant type: single nucleotide variant.
Coding change: c.533G>A on transcript NM_001258392.3 (MANE Select); coding-DNA position 533, G replaced by A.
Protein change: p.Arg178Gln; replaces arginine 178 with glutamine.
Molecular consequence: missense variant. On other transcripts: intron variant (1).
Genome position (GRCh38, 1-based): chr11:72,402,975, C>T on the plus strand (G>A on the coding strand, the complement: CLPB is on the minus strand). VCF-style: chr11-72402975-C-T. GRCh37 (hg19) VCF-style: chr11-72114019-C-T.
Other names: c.398G>A, p.Arg133Gln (NM_001258394.3); c.533G>A, p.Arg178Gln (NM_030813.6); c.456-22591G>A (NM_001258393.3); short protein forms R133Q, R178Q.
Identifiers: ClinVar variation 2420355 (VCV002420355.11), dbSNP rs150404541, ClinGen allele CA224498021.
Genomic context (GRCh38, chr11:72,402,975, plus strand): 5'-AGTCTGCAGAGATCTGCCTAAAGGAGCCCTGTGTGGAAGGTGGTCTCTCACCTGTTGTTT[C>T]GGTTGATGGCTGCCACCATGAGTGCTGTCCAGCCAAGTCTGTGCTTTGCATTGACATCTG-3'
Protein context (NP_001245321.1, residues 168-188): WTALMVAAIN[Arg178Gln]NNSVVQVLLA

ClinVar aggregate classification (germline): Uncertain significance. Review status: criteria provided, multiple submitters, no conflicts (2 of 4 stars). 2 submissions from 2 submitters: Uncertain significance (2). Last evaluated 2024-10-09.

Conditions:
3-methylglutaconic aciduria, type VIIB (MGCA7B). Also called: CLPB Deficiency; 3-methylglutaconic aciduria, type VII, with cataracts, neurologic involvement and neutropenia; 3-methylglutaconic aciduria with cataracts, neurologic involvement and neutropenia. Identifiers: Orphanet 445038, MedGen C5676893, MONDO:0014561, OMIM 616271.

Allele frequency attached by ClinVar (database versions not stated): gnomAD 0.00001; gnomAD exomes 0.00001; TOPMed 0.00001; 1000 Genomes Project 30x 0.00016; 1000 Genomes Project 0.00020.
gnomAD v4.1: 9 of 1,613,840 alleles (0.00056%); highest among the groups gnomAD compares: African/African-American, 0.0027%; no homozygotes.

Submissions (2):

Revvity Omics, Revvity
Classification: Uncertain significance. Last evaluated: 2024-10-09. Review status: criteria provided, single submitter. Criteria: ACMG Guidelines, 2015. Collection method: clinical testing. Allele origin: germline.

Labcorp Genetics (formerly Invitae), Labcorp
Classification: Uncertain significance for 3-methylglutaconic aciduria, type VIIB. Last evaluated: 2022-11-07. Review status: criteria provided, single submitter. Criteria: Invitae Variant Classification Sherloc (09022015). Collection method: clinical testing. Allele origin: germline.
Comment: In summary, the available evidence is currently insufficient to determine the role of this variant in disease. Therefore, it has been classified as a Variant of Uncertain Significance. Algorithms developed to predict the effect of missense changes on protein structure and function (SIFT, PolyPhen-2, Align-GVGD) all suggest that this variant is likely to be tolerated. This variant has not been reported in the literature in individuals affected with CLPB-related conditions. This variant is present in population databases (rs150404541, gnomAD 0.0009%). This sequence change replaces arginine, which is basic and polar, with glutamine, which is neutral and polar, at codon 178 of the CLPB protein (p.Arg178Gln).